The following is an entry in ClinVar:

NM_000094.4(COL7A1):c.5585C>T (p.Ser1862Leu)

Gene: COL7A1 (collagen type VII alpha 1 chain; minus strand). Cytogenetic location: 3p21.31.
Variant type: single nucleotide variant.
Coding change: c.5585C>T on transcript NM_000094.4 (MANE Select); coding-DNA position 5585, C replaced by T.
Protein change: p.Ser1862Leu; replaces serine 1862 with leucine.
Molecular consequence: missense variant.
Genome position (GRCh38, 1-based): chr3:48,576,903, G>A on the plus strand (C>T on the coding strand, the complement: COL7A1 is on the minus strand). VCF-style: chr3-48576903-G-A. GRCh37 (hg19) VCF-style: chr3-48614336-G-A.
Other names: short protein forms S1862L.
Identifiers: ClinVar variation 3689087 (VCV003689087.2).
Genomic context (GRCh38, chr3:48,576,903, plus strand): 5'-AGGGTCAGGGGTCAGAGGTTGCAGAAAACTCCAATACTCACTTCTCTCCCAGAGGCGCCT[G>A]AATCTCCTTTCTCTCCCTAAGGAAGACAAGGATGCTTCAGGCATGGCTCCAAGCAGAGAC-3'
Protein context (NP_000085.1, residues 1852-1872): EDGRKGEKGD[Ser1862Leu]GASGREGRDG

ClinVar aggregate classification (germline): Uncertain significance (1 of 4 stars; one submission).

gnomAD v4.1: 1 of 1,614,088 alleles (0.000062%); highest among the groups gnomAD compares: Non-Finnish European, 0.000085%; no homozygotes.

Submission:

Labcorp Genetics (formerly Invitae), Labcorp
Classification: Uncertain significance. Last evaluated: 2024-12-15. Review status: criteria provided, single submitter. Criteria: Invitae Variant Classification Sherloc (09022015). Collection method: clinical testing. Allele origin: germline.
Comment: This sequence change replaces serine, which is neutral and polar, with leucine, which is neutral and non-polar, at codon 1862 of the COL7A1 protein (p.Ser1862Leu). This variant is not present in population databases (gnomAD no frequency). This variant has not been reported in the literature in individuals affected with COL7A1-related conditions. Invitae Evidence Modeling of protein sequence and biophysical properties (such as structural, functional, and spatial information, amino acid conservation, physicochemical variation, residue mobility, and thermodynamic stability) indicates that this missense variant is not expected to disrupt COL7A1 protein function with a negative predictive value of 95%. In summary, the available evidence is currently insufficient to determine the role of this variant in disease. Therefore, it has been classified as a Variant of Uncertain Significance.